The following is an entry in ClinVar:

ClinVar aggregate classification (germline): Uncertain significance. Review status: criteria provided, multiple submitters, no conflicts (2 of 4 stars). 2 submissions from 2 submitters: Uncertain significance (2). Last evaluated 2024-02-09.

Conditions:
Cernunnos-XLF deficiency (IMD124). Also called: NHEJ1 SYNDROME; Severe combined immunodeficiency with sensitivity to ionizing radiation due to NHEJ1 deficiency; SCID, autosomal recessive, T cell-negative, B cell-negative, NK cell-positive, and sensitivity to ionizing radiation due to NHEJ1 deficiency; IMMUNODEFICIENCY 124, SEVERE COMBINED; SCID, AUTOSOMAL RECESSIVE, T CELL-NEGATIVE, B CELL-NEGATIVE, NK CELL-POSITIVE, WITH MICROCEPHALY, GROWTH RETARDATION, AND SENSITIVITY TO IONIZING RADIATION. Identifiers: Orphanet 169079, MedGen C1969799, MONDO:0012650, OMIM 611291.

gnomAD v4.1: 2 of 1,614,234 alleles (0.00012%); highest among the groups gnomAD compares: South Asian, 0.0022%; no homozygotes.

Submissions (2):

Labcorp Genetics (formerly Invitae), Labcorp
Classification: Uncertain significance for Cernunnos-XLF deficiency. Last evaluated: 2024-02-09. Review status: criteria provided, single submitter. Criteria: Invitae Variant Classification Sherloc (09022015). Collection method: clinical testing. Allele origin: germline.
Comment: This sequence change replaces leucine, which is neutral and non-polar, with proline, which is neutral and non-polar, at codon 16 of the NHEJ1 protein (p.Leu16Pro). This variant is not present in population databases (gnomAD no frequency). This variant has not been reported in the literature in individuals affected with NHEJ1-related conditions. Advanced modeling of protein sequence and biophysical properties (such as structural, functional, and spatial information, amino acid conservation, physicochemical variation, residue mobility, and thermodynamic stability) performed at Invitae indicates that this missense variant is expected to disrupt NHEJ1 protein function with a positive predictive value of 80%. In summary, the available evidence is currently insufficient to determine the role of this variant in disease. Therefore, it has been classified as a Variant of Uncertain Significance.

Blueprint Genetics
Classification: Uncertain significance. Last evaluated: 2023-10-03. Review status: criteria provided, single submitter. Criteria: ACMG Guidelines, 2015. Collection method: clinical testing. Allele origin: germline.

NM_024782.3(NHEJ1):c.47T>C (p.Leu16Pro)

Gene: NHEJ1 (non-homologous end joining factor 1; minus strand). Cytogenetic location: 2q35.
Variant type: single nucleotide variant.
Coding change: c.47T>C on transcript NM_024782.3 (MANE Select); coding-DNA position 47, T replaced by C.
Protein change: p.Leu16Pro; replaces leucine 16 with proline.
Molecular consequence: missense variant. On other transcripts: non-coding transcript variant (1).
Genome position (GRCh38, 1-based): chr2:219,158,316, A>G on the plus strand (T>C on the coding strand, the complement: NHEJ1 is on the minus strand). VCF-style: chr2-219158316-A-G. GRCh37 (hg19) VCF-style: chr2-220023038-A-G.
Other names: c.47T>C, p.Leu16Pro (NM_001377498.1, NM_001377499.1); short protein forms L16P.
Identifiers: ClinVar variation 3672585 (VCV003672585.3).
Genomic context (GRCh38, chr2:219,158,316, plus strand): 5'-AAGGCATAGCCCTGCTTGGTGATAAAAACCTTGGCCAAGAGGGAGTTCTCTGCAAGCTGT[A>G]GCCACGCCCATGGCTGCATCAACAGGCCTTGCTCCAGTTCTTCCATCTGCAAAAAAGTCC-3'
Protein context (NP_079058.1, residues 6-26): QGLLMQPWAW[Leu16Pro]QLAENSLLAK